The following is an entry in ClinVar:

ClinVar aggregate classification (germline): Likely benign (1 of 4 stars; one submission).

Conditions:
Familial cancer of breast. Also called: BREAST CANCER, FAMILIAL; Hereditary breast cancer; hereditary breast carcinoma. Identifiers: Orphanet 227535, MedGen C0346153, MONDO:0016419, OMIM 114480. Disease mechanism: loss of function.

Submission:

Myriad Genetics, Inc.
Classification: Likely benign for Familial cancer of breast. Last evaluated: 2024-04-22. Review status: criteria provided, single submitter. Criteria: Myriad Autosomal Dominant, Autosomal Recessive and X-Linked Classification Criteria (2023). Collection method: clinical testing. Allele origin: unknown.
Comment: This variant is considered likely benign. This variant is intronic and is not expected to impact mRNA splicing.

NM_000051.4(ATM):c.663-8C>T

Gene: ATM (ATM serine/threonine kinase; plus strand). Cytogenetic location: 11q22.3.
Variant type: single nucleotide variant.
Coding change: c.663-8C>T on transcript NM_000051.4 (MANE Select); 8 bases into the intron before coding-DNA position 663, C replaced by T.
Molecular consequence: intron variant.
Genome position (GRCh38, 1-based): chr11:108,244,780, C>T. VCF-style: chr11-108244780-C-T. GRCh37 (hg19) VCF-style: chr11-108115507-C-T.
Other names: c.663-8C>T (NM_001351834.2).
Identifiers: ClinVar variation 3254072 (VCV003254072.1), dbSNP rs1060501661.
Genomic context (GRCh38, chr11:108,244,780, plus strand): 5'-ATAACTGTTCAGTTTGTACAGTTTGTTCCCCCTGTTATACCCAGTTGAGCTTGTTTGTTT[C>T]TTCACAGACAAGAAAAGAGCTCTTCAGGTCTAAATCATATCTTAGCAGCTCTTACTATCT-3'